The following is an entry in ClinVar:

NM_001372.4(DNAH9):c.9985G>A (p.Ala3329Thr)

Gene: DNAH9 (dynein axonemal heavy chain 9; plus strand). Cytogenetic location: 17p12.
Variant type: single nucleotide variant.
Coding change: c.9985G>A on transcript NM_001372.4 (MANE Select); coding-DNA position 9985, G replaced by A.
Protein change: p.Ala3329Thr; replaces alanine 3329 with threonine.
Molecular consequence: missense variant.
Genome position (GRCh38, 1-based): chr17:11,869,185, G>A. VCF-style: chr17-11869185-G-A. GRCh37 (hg19) VCF-style: chr17-11772502-G-A.
Other names: short protein forms A3329T.
Identifiers: ClinVar variation 2835453 (VCV002835453.3), dbSNP rs2544795206, ClinGen allele CA398195074.
Genomic context (GRCh38, chr17:11,869,185, plus strand): 5'-CCTAAACAGCACCTTAATGAAAACCTGGCAAAGCTCACAGCCAGGTTTGAGAAAGCAACA[G>A]CAGACAAACTCAAATGTCAGCAAGAAGCCGAAGTGACCGCAGTCACCATCTCCCTTGCCA-3'
Protein context (NP_001363.2, residues 3319-3339): KLTARFEKAT[Ala3329Thr]DKLKCQQEAE

ClinVar aggregate classification (germline): Uncertain significance (1 of 4 stars; one submission).

Submission:

Labcorp Genetics (formerly Invitae), Labcorp
Classification: Uncertain significance. Last evaluated: 2026-01-12. Review status: criteria provided, single submitter. Criteria: Invitae Variant Classification Sherloc (09022015). Collection method: clinical testing. Allele origin: germline.
Comment: This sequence change replaces alanine, which is neutral and non-polar, with threonine, which is neutral and polar, at codon 3329 of the DNAH9 protein (p.Ala3329Thr). This variant is not present in population databases (gnomAD no frequency). This variant has not been reported in the literature in individuals affected with DNAH9-related conditions. ClinVar contains an entry for this variant (Variation ID: 2835453). Invitae Evidence Modeling of protein sequence and biophysical properties (such as structural, functional, and spatial information, amino acid conservation, physicochemical variation, residue mobility, and thermodynamic stability) indicates that this missense variant is not expected to disrupt DNAH9 protein function with a negative predictive value of 80%. In summary, the available evidence is currently insufficient to determine the role of this variant in disease. Therefore, it has been classified as a Variant of Uncertain Significance.